The following is an entry in ClinVar:

NM_003334.4(UBA1):c.167C>T (p.Ser56Phe)

Genes: UBA1 (ubiquitin like modifier activating enzyme 1; plus strand), LOC126863253 (CDK7 strongly-dependent group 2 enhancer GRCh37_chrX:47057593-47058792; plus strand). Cytogenetic location: Xp11.3.
Variant type: single nucleotide variant.
Coding change: c.167C>T on transcript NM_003334.4 (MANE Select); coding-DNA position 167, C replaced by T.
Protein change: p.Ser56Phe; replaces serine 56 with phenylalanine.
Molecular consequence: missense variant.
Genome position (GRCh38, 1-based): chrX:47,199,097, C>T. VCF-style: chrX-47199097-C-T. GRCh37 (hg19) VCF-style: chrX-47058496-C-T.
Other names: S56F; c.167C>T, p.Ser56Phe (NM_153280.3).
Identifiers: ClinVar variation 1298352 (VCV001298352.6), dbSNP rs2147250370, ClinGen allele CA412786936.
Genomic context (GRCh38, chrX:47,199,097, plus strand): 5'-TCTATTCCTAGGGAATGGCCAAGAACGGCAGTGAAGCAGACATAGACGAGGGCCTTTACT[C>T]CCGGCAGCTGTAAGTGGGGCCAAGGCCGGGCTGAGGGGTGTGGAATGGGACATTGAGAGG-3'
Protein context (NP_003325.2, residues 46-66): SEADIDEGLY[Ser56Phe]RQLYVLGHEA

ClinVar aggregate classification (germline): Uncertain significance. Review status: criteria provided, single submitter (1 of 4 stars). 2 submissions from 2 submitters: Uncertain significance (1). 1 of the submissions does not count toward it. Last evaluated 2022-03-08.

Conditions:
Infantile-onset X-linked spinal muscular atrophy. Also called: Spinal muscular atrophy, X-linked 2; Spinal Muscular Atrophy, X-Linked Infantile; SPINAL MUSCULAR ATROPHY, X-LINKED LETHAL INFANTILE; AMC, DISTAL, X-LINKED; ARTHROGRYPOSIS, X-LINKED, TYPE I. Identifiers: Orphanet 1145, MedGen C1844934, MONDO:0010532, OMIM 301830.
VEXAS syndrome. Identifiers: Orphanet 596753, MedGen C5435753, MONDO:0026777, OMIM 301054.

Submissions (2):

Labcorp Genetics (formerly Invitae), Labcorp
Classification: Uncertain significance for Infantile-onset X-linked spinal muscular atrophy. Last evaluated: 2022-03-08. Review status: criteria provided, single submitter. Criteria: Invitae Variant Classification Sherloc (09022015). Collection method: clinical testing. Allele origin: germline.
Comment: This variant has not been reported in the literature in individuals affected with UBA1-related conditions. This sequence change replaces serine, which is neutral and polar, with phenylalanine, which is neutral and non-polar, at codon 56 of the UBA1 protein (p.Ser56Phe). This variant is not present in population databases (gnomAD no frequency). ClinVar contains an entry for this variant (Variation ID: 1298352). Algorithms developed to predict the effect of missense changes on protein structure and function are either unavailable or do not agree on the potential impact of this missense change (SIFT: "Deleterious"; PolyPhen-2: "Probably Damaging"; Align-GVGD: "Class C15"). In summary, the available evidence is currently insufficient to determine the role of this variant in disease. Therefore, it has been classified as a Variant of Uncertain Significance.

OMIM
Classification: Pathogenic for VEXAS SYNDROME, SOMATIC. Last evaluated: 2021-10-04. Review status: no assertion criteria provided. Collection method: literature only. Allele origin: somatic. Not counted in ClinVar's aggregate classification.

Literature cited by the submitters: PubMed 33690815 (cited by OMIM).